The following is an entry in ClinVar:

NM_003200.5(TCF3):c.170G>A (p.Gly57Asp)

Gene: TCF3 (transcription factor 3; minus strand). Cytogenetic location: 19p13.3.
Variant type: single nucleotide variant.
Coding change: c.170G>A on transcript NM_003200.5 (MANE Select); coding-DNA position 170, G replaced by A.
Protein change: p.Gly57Asp; replaces glycine 57 with aspartic acid.
Molecular consequence: missense variant.
Genome position (GRCh38, 1-based): chr19:1,632,381, C>T on the plus strand (G>A on the coding strand, the complement: TCF3 is on the minus strand). VCF-style: chr19-1632381-C-T. GRCh37 (hg19) VCF-style: chr19-1632380-C-T.
Other names: c.170G>A, p.Gly57Asp (NM_001136139.4, NM_001351778.2, NM_001351779.2); short protein forms G57D.
Identifiers: ClinVar variation 2982121 (VCV002982121.3), dbSNP rs2514261238, ClinGen allele CA403080155.
Genomic context (GRCh38, chr19:1,632,381, plus strand): 5'-GGGACTCCTACCCGGCTGGGGTCAAAGGAGGAGCTGCTCTGGTCGCCGCTGCCCCAGGAG[C>T]CTGAGCTGGGCCGGTCCTCAAGACCTGCAGGCAGGACAGAGAGAGTTATGGGTCACCCTC-3'
Protein context (NP_003191.1, residues 47-67): GSGLEDRPSS[Gly57Asp]SWGSGDQSSS

ClinVar aggregate classification (germline): Uncertain significance (1 of 4 stars; one submission).

Submission:

Labcorp Genetics (formerly Invitae), Labcorp
Classification: Uncertain significance. Last evaluated: 2023-05-18. Review status: criteria provided, single submitter. Criteria: Invitae Variant Classification Sherloc (09022015). Collection method: clinical testing. Allele origin: germline.
Comment: In summary, the available evidence is currently insufficient to determine the role of this variant in disease. Therefore, it has been classified as a Variant of Uncertain Significance. Advanced modeling of protein sequence and biophysical properties (such as structural, functional, and spatial information, amino acid conservation, physicochemical variation, residue mobility, and thermodynamic stability) has been performed at Invitae for this missense variant, however the output from this modeling did not meet the statistical confidence thresholds required to predict the impact of this variant on TCF3 protein function. This variant has not been reported in the literature in individuals affected with TCF3-related conditions. This variant is not present in population databases (gnomAD no frequency). This sequence change replaces glycine, which is neutral and non-polar, with aspartic acid, which is acidic and polar, at codon 57 of the TCF3 protein (p.Gly57Asp).